The following is an entry in ClinVar:

ClinVar aggregate classification (germline): Conflicting classifications of pathogenicity. Review status: criteria provided, conflicting classifications (1 of 4 stars). 3 submissions from 3 submitters: Uncertain significance (1); Likely benign (2). Last evaluated 2026-02-04.

Conditions:
Bartter disease type 2. Also called: Bartter syndrome, type 2, antenatal; HYPERPROSTAGLANDIN E SYNDROME 2; HYPOKALEMIC ALKALOSIS WITH HYPERCALCIURIA 2, ANTENATAL. Identifiers: Orphanet 112, Orphanet 620220, MedGen C1855849, MONDO:0009424, OMIM 241200.
KCNJ1-related disorder. Also called: KCNJ1-related condition.

Allele frequency attached by ClinVar (database versions not stated): TOPMed 0.00014; ESP Exome Variant Server 0.00015; gnomAD 0.00015; gnomAD exomes 0.00017.

Submissions (3):

PreventionGenetics, part of Exact Sciences
Classification: Likely benign for KCNJ1-related condition. Last evaluated: 2026-02-04. Review status: criteria provided, single submitter. Criteria: ACMG Guidelines, 2015. Collection method: clinical testing. Allele origin: germline.
Comment: This variant is classified as likely benign based on ACMG/AMP sequence variant interpretation guidelines (Richards et al. 2015 PMID: 25741868, with internal and published modifications).

Mayo Clinic Laboratories, Mayo Clinic
Classification: Likely benign. Last evaluated: 2024-11-12. Review status: criteria provided, single submitter. Criteria: ACMG Guidelines, 2015. Collection method: clinical testing. Allele origin: germline. Observed: 2 variant alleles.
Comment: BP4, BP7

Fulgent Genetics
Classification: Uncertain significance for Bartter disease type 2. Last evaluated: 2022-05-17. Review status: criteria provided, single submitter. Criteria: ACMG Guidelines, 2015. Collection method: clinical testing. Allele origin: unknown.

NM_153766.3(KCNJ1):c.*1C>G

Gene: KCNJ1 (potassium inwardly rectifying channel subfamily J member 1; minus strand). Cytogenetic location: 11q24.3.
Variant type: single nucleotide variant.
Coding change: c.*1C>G on transcript NM_153766.3 (MANE Select); 1 bases downstream of the stop codon, C replaced by G.
Molecular consequence: 3 prime UTR variant.
Genome position (GRCh38, 1-based): chr11:128,839,124, G>C on the plus strand (C>G on the coding strand, the complement: KCNJ1 is on the minus strand). VCF-style: chr11-128839124-G-C. GRCh37 (hg19) VCF-style: chr11-128709019-G-C.
Other names: c.*1C>G (NM_000220.5, NM_000220.4, NM_000220.6 and 3 more transcripts).
Identifiers: ClinVar variation 1809678 (VCV001809678.3), dbSNP rs139591082, ClinGen allele CA6357375.
Genomic context (GRCh38, chr11:128,839,124, plus strand): 5'-TAATGCTTCTAGGTACTAGGAGCTTTAGAGACTTTGCTTTACTCCCGTTGAAAAGCCACT[G>C]TTACATTTTGGTGTCATCTGTTTCATTGACTTCTGACAAGATGAAGTTGGGGTTGTCATA-3'